The following is an entry in ClinVar:

ClinVar aggregate classification (germline): Pathogenic (1 of 4 stars; one submission).

Submission:

Labcorp Genetics (formerly Invitae), Labcorp
Classification: Pathogenic. Last evaluated: 2022-12-23. Review status: criteria provided, single submitter. Criteria: Invitae Variant Classification Sherloc (09022015). Collection method: clinical testing. Allele origin: germline.
Comment: For these reasons, this variant has been classified as Pathogenic. This variant has not been reported in the literature in individuals affected with PHEX-related conditions. This variant is not present in population databases (gnomAD no frequency). This sequence change creates a premature translational stop signal (p.Met449Cysfs*2) in the PHEX gene. It is expected to result in an absent or disrupted protein product. Loss-of-function variants in PHEX are known to be pathogenic (PMID: 9097956, 9106524, 19219621).

Literature cited by the submitters: PubMed 9097956; PubMed 9106524; PubMed 19219621.

NM_000444.6(PHEX):c.1345del (p.Met449fs)

Gene: PHEX (phosphate regulating endopeptidase X-linked; plus strand). Cytogenetic location: Xp22.11.
Variant type: Deletion.
Coding change: c.1345del on transcript NM_000444.6 (MANE Select); coding-DNA position 1345, one base deleted (A; older notation c.1345delA).
Protein change: p.Met449fs; shifts the reading frame from methionine 449.
Molecular consequence: frameshift variant.
Genome position (GRCh38, 1-based): chrX:22,133,565, A deleted. VCF-style (leftmost placement, unchanged base first): chrX-22133564-CA-C. GRCh37 (hg19) VCF-style: chrX-22151681-CA-C.
Other names: c.1345del, p.Met449fs (NM_001282754.2); short protein forms M449fs.
Identifiers: ClinVar variation 2823669 (VCV002823669.3), dbSNP rs2518548162, ClinGen allele CA2739268140.